The following is an entry in ClinVar:

NM_001271.4(CHD2):c.4593-3del

Gene: CHD2 (chromodomain helicase DNA binding protein 2; plus strand). Cytogenetic location: 15q26.1.
Variant type: Deletion.
Coding change: c.4593-3del on transcript NM_001271.4 (MANE Select); 3 bases into the intron before coding-DNA position 4593, one base deleted (T; older notation c.4593-3delT).
Molecular consequence: intron variant.
Genome position (GRCh38, 1-based): chr15:93,012,342, T deleted; the last of 5 consecutive T bases (chr15:93,012,338-93,012,342); deleting any one gives the same sequence. VCF-style (leftmost placement, unchanged base first): chr15-93012337-CT-C. GRCh37 (hg19) VCF-style: chr15-93555567-CT-C.
Identifiers: ClinVar variation 1535208 (VCV001535208.10), dbSNP rs1270315601, ClinGen allele CA619621562.

ClinVar aggregate classification (germline): Conflicting classifications of pathogenicity. Review status: criteria provided, conflicting classifications (1 of 4 stars). 2 submissions from 2 submitters: Uncertain significance (1); Benign (1). Last evaluated 2024-12-10.

Conditions:
Inborn genetic diseases. Identifiers: MedGen C0950123, MeSH D030342.
Developmental and epileptic encephalopathy 94 (DEE94). Also called: CHD2-Related Neurodevelopmental Disorders; Epileptic encephalopathy, childhood-onset. Identifiers: Orphanet 1942, Orphanet 2382, MedGen C3809278, MONDO:0014150, OMIM 615369.

Submissions (2):

Labcorp Genetics (formerly Invitae), Labcorp
Classification: Benign for Developmental and epileptic encephalopathy 94. Last evaluated: 2024-12-10. Review status: criteria provided, single submitter. Criteria: Invitae Variant Classification Sherloc (09022015). Collection method: clinical testing. Allele origin: germline.

Ambry Genetics
Classification: Uncertain significance for Inborn genetic diseases. Last evaluated: 2016-05-31. Review status: criteria provided, single submitter. Criteria: Ambry Variant Classification Scheme 2023. Collection method: clinical testing. Allele origin: germline.
Comment: The c.4593-3delT intronic variant, located in intron 34 of the CHD2 gene, results from a deletion of one nucleotide within intron 34 of the CHD2 gene. This variant was not reported in population based cohorts in the following databases: Database of Single Nucleotide Polymorphisms (dbSNP), NHLBI Exome Sequencing Project (ESP), and 1000 Genomes Project. In the ESP, this variant was not observed in 6492 samples (12984 alleles) with coverage at this position. This nucleotide position is not well conserved in available vertebrate species. Using the BDGP and ESEfinder splice site prediction tools, this alteration is not predicted to have any significant effect on this splice acceptor site; however, direct evidence is unavailable. Since supporting evidence is limited at this time, the clinical significance of this alteration remains unclear.